The following is an entry in ClinVar:

NM_018406.7(MUC4):c.2903C>T (p.Thr968Met)

Gene: MUC4 (mucin 4, cell surface associated). Cytogenetic location: 3q29.
Variant type: single nucleotide variant.
Coding change: c.2903C>T on transcript NM_018406.7 (MANE Select); coding-DNA position 2903, C replaced by T.
Protein change: p.Thr968Met; replaces threonine 968 with methionine.
Molecular consequence: missense variant. On other transcripts: genic upstream transcript variant (2).
Genome position (GRCh38, 1-based): chr3:195,788,677, G>A on the plus strand (C>T on the coding strand, the complement: MUC4 is on the minus strand). VCF-style: chr3-195788677-G-A. GRCh37 (hg19) VCF-style: chr3-195515548-G-A.
Other names: c.2918C>T, p.Thr973Met (NM_001322468.1); c.83-14372C>T (NM_138297.5); c.83-10222C>T (NM_004532.6); short protein forms T968M, T973M.
Identifiers: ClinVar variation 2654484 (VCV002654484.24), dbSNP rs62282503, ClinGen allele CA2774879.
Genomic context (GRCh38, chr3:195,788,677, plus strand): 5'-CCTGTGGATGCCGAGGAAGCGTAGGTGACAGGAAGAGGGGTGGCGTTGCTGATGAGGGCC[G>A]TGGTGAAGGTTTTACCAGACCCTGAAGGTGACAGAGTGTGGGTCTCGGTTTGTGGAGATG-3'
Protein context (NP_060876.5, residues 958-978): SPSGSGKTFT[Thr968Met]ALISNATPLP

ClinVar aggregate classification (germline): Likely benign (1 of 4 stars; one submission).

Allele frequency attached by ClinVar (database versions not stated): TOPMed 0.00169; gnomAD 0.00196; ESP Exome Variant Server 0.00217; 1000 Genomes Project 30x 0.00437; 1000 Genomes Project 0.00499.
gnomAD v4.1: 4,269 of 1,612,994 alleles (0.26%); highest among the groups gnomAD compares: South Asian, 0.78%; 21 homozygotes.

Submission:

CeGaT Center for Human Genetics Tuebingen
Classification: Likely benign. Last evaluated: 2026-01-01. Review status: criteria provided, single submitter. Criteria: CeGaT Center For Human Genetics Tuebingen Variant Classification Criteria Version 2. Collection method: clinical testing. Allele origin: germline. Affected: yes. Observed: 11 variant alleles.
Comment: MUC4: BP4, BS2